The following is an entry in ClinVar:

NM_199420.4(POLQ):c.3767G>A (p.Gly1256Glu)

Gene: POLQ (DNA polymerase theta; minus strand). Cytogenetic location: 3q13.33.
Variant type: single nucleotide variant.
Coding change: c.3767G>A on transcript NM_199420.4 (MANE Select); coding-DNA position 3767, G replaced by A.
Protein change: p.Gly1256Glu; replaces glycine 1256 with glutamic acid.
Molecular consequence: missense variant.
Genome position (GRCh38, 1-based): chr3:121,489,164, C>T on the plus strand (G>A on the coding strand, the complement: POLQ is on the minus strand). VCF-style: chr3-121489164-C-T. GRCh37 (hg19) VCF-style: chr3-121208011-C-T.
Other names: short protein forms G1256E.
Identifiers: ClinVar variation 3037552 (VCV003037552.2), dbSNP rs3218640, ClinGen allele CA2563010.
Genomic context (GRCh38, chr3:121,489,164, plus strand): 5'-CTAAATGCTCCAGCTGATGGAAGTACTTCACTGGGTATCACAGTTCTGCTTATATCATCT[C>T]CTAATGCCTGAAAATGACTTGGTTTATTTTCCTCTGTATTAAGCTTTATCCTTTCACAAT-3'
Protein context (NP_955452.3, residues 1246-1266): ENKPSHFQAL[Gly1256Glu]DDISRTVIPS

ClinVar aggregate classification (germline): Benign (0 of 4 stars; one submission).

Conditions:
POLQ-related disorder. Also called: POLQ-related condition.

Allele frequency attached by ClinVar (database versions not stated): ExAC 0.00434; 1000 Genomes Project 0.01418; gnomAD 0.01465; 1000 Genomes Project 30x 0.01468; TOPMed 0.01586; ESP Exome Variant Server 0.01722.
gnomAD v4.1: 4,193 of 1,613,122 alleles (0.26%); highest among the groups gnomAD compares: African/African-American, 5%; 109 homozygotes.

Submission:

PreventionGenetics, part of Exact Sciences
Classification: Benign for POLQ-related condition. Last evaluated: 2019-07-30. Review status: no assertion criteria provided. Collection method: clinical testing. Allele origin: germline.
Comment: This variant is classified as benign based on ACMG/AMP sequence variant interpretation guidelines (Richards et al. 2015 PMID: 25741868, with internal and published modifications).